The following is an entry in ClinVar:

ClinVar aggregate classification (germline): Conflicting classifications of pathogenicity. Review status: criteria provided, conflicting classifications (1 of 4 stars). 8 submissions from 8 submitters: Likely pathogenic (1); Uncertain significance (6). 1 of the submissions does not count toward it. Last evaluated 2026-02-03.

Conditions:
Very long chain acyl-CoA dehydrogenase deficiency (ACADVLD). Also called: VLCAD Deficiency; Very Long-Chain Acyl-Coenzyme A Dehydrogenase Deficiency. Identifiers: Orphanet 26793, MedGen C3887523, MONDO:0008723, OMIM 201475.
ACADVL-related disorder. Also called: ACADVL-related condition.

Allele frequency attached by ClinVar (database versions not stated): gnomAD exomes below 0.00001 and 0.00001; gnomAD 0.00001; TOPMed 0.00001.

Submissions (8):

GeneDx
Classification: Uncertain significance. Last evaluated: 2026-02-03. Review status: criteria provided, single submitter. Criteria: GeneDx Variant Classification Process June 2021. Collection method: clinical testing. Allele origin: germline. Affected: yes.
Comment: In silico analysis is inconclusive as to whether the variant alters gene splicing. In the absence of RNA/functional studies, the actual effect of this sequence change is unknown.; Not observed at significant frequency in large population cohorts (gnomAD); This variant is associated with the following publications: (PMID: 34426522, 26385305, 30194637)

Labcorp Genetics (formerly Invitae), Labcorp
Classification: Uncertain significance for Very long chain acyl-CoA dehydrogenase deficiency. Last evaluated: 2026-01-19. Review status: criteria provided, single submitter. Criteria: Invitae Variant Classification Sherloc (09022015). Collection method: clinical testing. Allele origin: germline.
Comment: This sequence change falls in intron 17 of the ACADVL gene. It does not directly change the encoded amino acid sequence of the ACADVL protein. It affects a nucleotide within the consensus splice site. This variant is present in population databases (no rsID available, gnomAD 0.0009%). This variant has been observed in individual(s) with very long chain acyl-CoA dehydrogenase deficiency (PMID: 30194637). ClinVar contains an entry for this variant (Variation ID: 373435). Variants that disrupt the consensus splice site are a relatively common cause of aberrant splicing (PMID: 17576681, 9536098). Algorithms developed to predict the effect of sequence changes on RNA splicing suggest that this variant may disrupt the consensus splice site. In summary, the available evidence is currently insufficient to determine the role of this variant in disease. Therefore, it has been classified as a Variant of Uncertain Significance.

Blueprint Genetics
Classification: Likely pathogenic for ACADVL-related disorders. Last evaluated: 2024-08-29. Review status: criteria provided, single submitter. Criteria: ACMG Guidelines, 2015. Collection method: clinical testing. Allele origin: germline. Affected: yes. Observed: 5 variant alleles.

Revvity Omics, Revvity
Classification: Uncertain significance for Very long chain acyl-CoA dehydrogenase deficiency. Last evaluated: 2024-08-29. Review status: criteria provided, single submitter. Criteria: ACMG Guidelines, 2015. Collection method: clinical testing. Allele origin: germline.

CeGaT Center for Human Genetics Tuebingen
Classification: Uncertain significance. Last evaluated: 2022-09-01. Review status: criteria provided, single submitter. Criteria: CeGaT Center For Human Genetics Tuebingen Variant Classification Criteria Version 2. Collection method: clinical testing. Allele origin: germline. Affected: yes. Observed: 2 variant alleles.
Comment: ACADVL: PM2, PM3, PP4, BP4

Women's Health and Genetics/Laboratory Corporation of America, LabCorp
Classification: Uncertain significance. Last evaluated: 2021-10-06. Review status: criteria provided, single submitter. Criteria: LabCorp Variant Classification Summary - May 2015. Collection method: clinical testing. Allele origin: germline.
Comment: Variant summary: ACADVL c.1678+4A>T alters a conserved nucleotide located close to a canonical splice site and therefore could affect mRNA splicing, leading to a significantly altered protein sequence. Several computational tools predict a significant impact on normal splicing: two predict the variant abolishes a 5' splicing donor site, while two predict the variant weakens a 5' donor site. However, these predictions have yet to be confirmed by functional studies. The variant allele was found at a frequency of 4e-06 in 247870 control chromosomes (gnomAD). The available data on variant occurrences in the general population are insufficient to allow any conclusion about variant significance. c.1678+4A>T has been reported in the literature in individual(s) affected with Very Long Chain Acyl-CoA Dehydrogenase Deficiency (Miller_2015, Hesse_2018), where one of the reported individuals was noted to carry a potentially pathogenic ACADVL variant on the other allele, and 15% residual enzyme activity measured from patient derived lymphocytes (Hesse_2018). These reports do not provide unequivocal conclusions about association of the variant with Very Long Chain Acyl-CoA Dehydrogenase Deficiency. Three clinical diagnostic laboratories have submitted clinical-significance assessments for this variant to ClinVar after 2014 without evidence for independent evaluation. All laboratories classified the variant as uncertain significance. Based on the evidence outlined above, the variant was classified as uncertain significance.

Wong Mito Lab, Molecular and Human Genetics, Baylor College of Medicine
Classification: Uncertain significance for Very long chain acyl-CoA dehydrogenase deficiency. Last evaluated: 2019-11-01. Review status: criteria provided, single submitter. Criteria: ACMG Guidelines, 2015. Collection method: clinical testing. Allele origin: germline.
Comment: The NM_000018.3:c.1678+4A>T (NP_000009.1:p.?) [GRCH38: NC_000017.11:g.7224556A>T] variant in ACADVL gene is interpretated to be Uncertain Significance based on ACMG guidelines (PMID: 25741868). This variant has been reported. This variant meets the following evidence codes reported in the ACMG guidelines: BP4

Natera, Inc.
Classification: Uncertain significance for Very long chain acyl-CoA dehydrogenase deficiency. Last evaluated: 2020-07-27. Review status: no assertion criteria provided. Collection method: clinical testing. Allele origin: germline. Not counted in ClinVar's aggregate classification.

Literature cited by the submitters: PubMed 30194637 (cited by Labcorp Genetics (formerly Invitae), Labcorp and Women's Health and Genetics/Laboratory Corporation of America, LabCorp); PubMed 17576681 (cited by Labcorp Genetics (formerly Invitae), Labcorp); PubMed 9536098 (cited by Labcorp Genetics (formerly Invitae), Labcorp); PubMed 26385305 (cited by Women's Health and Genetics/Laboratory Corporation of America, LabCorp).

NM_000018.4(ACADVL):c.1678+4A>T

Gene: ACADVL (acyl-CoA dehydrogenase very long chain; plus strand). Cytogenetic location: 17p13.1.
Variant type: single nucleotide variant.
Coding change: c.1678+4A>T on transcript NM_000018.4 (MANE Select); 4 bases into the intron after coding-DNA position 1678, A replaced by T.
Molecular consequence: intron variant.
Genome position (GRCh38, 1-based): chr17:7,224,556, A>T. VCF-style: chr17-7224556-A-T. GRCh37 (hg19) VCF-style: chr17-7127875-A-T.
Other names: c.1747+4A>T (NM_001270447.2); c.1450+4A>T (NM_001270448.2); c.1612+4A>T (NM_001033859.3).
Identifiers: ClinVar variation 373435 (VCV000373435.46), dbSNP rs1057518417, ClinGen allele CA16043043.
Genomic context (GRCh38, chr17:7,224,556, plus strand): 5'-AGCAGTTTGCCACTGTGGTGGAGGCCAAGCTGATAAAACACAAGAAGGGGATTGTCAGTA[A>T]GTGAGCTCTACACCATTCCGCCCCTCCCTTTCCTCTCCTTGAGACTAATGCCCCCACCCC-3'